The following is an entry in ClinVar:

ClinVar aggregate classification (germline): Uncertain significance (1 of 4 stars; one submission).

Conditions:
Ataxia-telangiectasia syndrome (AT). Also called: Cerebello-oculocutaneous telangiectasia; ATAXIA-TELANGIECTASIA, COMPLEMENTATION GROUP A; ATAXIA-TELANGIECTASIA, FRESNO VARIANT; Ataxia-telangiectasia, complementation group D; AT, COMPLEMENTATION GROUP C; Immunodeficiency with ataxia telangiectasia. Identifiers: Orphanet 100, MedGen C0004135, MONDO:0008840, OMIM 208900.

Submission:

Labcorp Genetics (formerly Invitae), Labcorp
Classification: Uncertain significance for Ataxia-telangiectasia syndrome. Last evaluated: 2022-09-16. Review status: criteria provided, single submitter. Criteria: Invitae Variant Classification Sherloc (09022015). Collection method: clinical testing. Allele origin: germline.
Comment: This sequence change replaces asparagine, which is neutral and polar, with histidine, which is basic and polar, at codon 1650 of the ATM protein (p.Asn1650His). This variant is not present in population databases (gnomAD no frequency). This variant has not been reported in the literature in individuals affected with ATM-related conditions. Algorithms developed to predict the effect of missense changes on protein structure and function (SIFT, PolyPhen-2, Align-GVGD) all suggest that this variant is likely to be tolerated. In summary, the available evidence is currently insufficient to determine the role of this variant in disease. Therefore, it has been classified as a Variant of Uncertain Significance.

NM_000051.4(ATM):c.4948A>C (p.Asn1650His)

Gene: ATM (ATM serine/threonine kinase; plus strand). Cytogenetic location: 11q22.3.
Variant type: single nucleotide variant.
Coding change: c.4948A>C on transcript NM_000051.4 (MANE Select); coding-DNA position 4948, A replaced by C.
Protein change: p.Asn1650His; replaces asparagine 1650 with histidine.
Molecular consequence: missense variant.
Genome position (GRCh38, 1-based): chr11:108,297,325, A>C. VCF-style: chr11-108297325-A-C. GRCh37 (hg19) VCF-style: chr11-108168052-A-C.
Other names: c.4948A>C, p.Asn1650His (NM_001351834.2); short protein forms N1650H.
Identifiers: ClinVar variation 1719628 (VCV001719628.5), dbSNP rs2135862318, ClinGen allele CA382538226.
Genomic context (GRCh38, chr11:108,297,325, plus strand): 5'-ATTTTTAAAAAATTATTTCTAGATAATCCGCAAGATGGGATTATGGTGAAACTAGTTGTC[A>C]ATTTGTTGCAGTTATCCAAGATGGCAATAAACCACACTGGTGAAAAAGAAGTTCTAGGTA-3'
Protein context (NP_000042.3, residues 1640-1660): QDGIMVKLVV[Asn1650His]LLQLSKMAIN